The following is an entry in ClinVar:

NM_000435.3(NOTCH3):c.398G>T (p.Arg133Leu)

Gene: NOTCH3 (notch receptor 3; minus strand). Cytogenetic location: 19p13.12.
Variant type: single nucleotide variant.
Coding change: c.398G>T on transcript NM_000435.3 (MANE Select); coding-DNA position 398, G replaced by T.
Protein change: p.Arg133Leu; replaces arginine 133 with leucine.
Molecular consequence: missense variant.
Genome position (GRCh38, 1-based): chr19:15,192,241, C>A on the plus strand (G>T on the coding strand, the complement: NOTCH3 is on the minus strand). VCF-style: chr19-15192241-C-A. GRCh37 (hg19) VCF-style: chr19-15303052-C-A.
Other names: short protein forms R133L.
Identifiers: ClinVar variation 1687327 (VCV001687327.1), dbSNP rs151016108, ClinGen allele CA404534249.
Genomic context (GRCh38, chr19:15,192,241, plus strand): 5'-CGGCCCTGGTAGCCAGGTGGGCAGGAGCAGAGGAAGCGTCCATCGGGCCCCACTGAGCAG[C>A]GGGCACCGTGGGCACAAGGGCTGCTGAGGCAGGGATCTGGCAGGGAGCAGTCAGGGCCTG-3'
Protein context (NP_000426.2, residues 123-143): CLSSPCAHGA[Arg133Leu]CSVGPDGRFL

ClinVar aggregate classification (germline): Likely pathogenic (1 of 4 stars; one submission).

Conditions:
Cerebral arteriopathy, autosomal dominant, with subcortical infarcts and leukoencephalopathy, type 1 (CADASIL1). Also called: DEMENTIA, HEREDITARY MULTIINFARCT TYPE; CADASIL 1; CASIL; Cerebral arteriopathy with subcortical infarcts and leukoencephalopathy 1. Identifiers: Orphanet 136, MedGen C4551768, MONDO:0000914, OMIM 125310.

Submission:

3billion
Classification: Likely pathogenic for Cerebral arteriopathy, autosomal dominant, with subcortical infarcts and leukoencephalopathy, type 1. Last evaluated: 2022-05-22. Review status: criteria provided, single submitter. Criteria: ACMG Guidelines, 2015. Collection method: clinical testing. Allele origin: germline. Affected: yes. Observed: 1 heterozygote.
Comment: The variant is not observed in the gnomAD v2.1.1 dataset. Missense changes are a common disease-causing mechanism. In silico tool predictions suggest damaging effect of the variant on gene or gene product (REVEL: 0.61; 3Cnet: 0.97). A different missense change at the same codon (p.Arg133Cys) has been reported as pathogenic/likely pathogenic with strong evidence (ClinVar ID: VCV000009225). Therefore, this variant is classified as likely pathogenic according to the recommendation of ACMG/AMP guideline.